The following is an entry in ClinVar:

NM_000122.2(ERCC3):c.2138T>C (p.Leu713Ser)

Gene: ERCC3 (ERCC excision repair 3, TFIIH core complex helicase subunit; minus strand). Cytogenetic location: 2q14.3.
Variant type: single nucleotide variant.
Coding change: c.2138T>C on transcript NM_000122.2 (MANE Select); coding-DNA position 2138, T replaced by C.
Protein change: p.Leu713Ser; replaces leucine 713 with serine.
Molecular consequence: missense variant.
Genome position (GRCh38, 1-based): chr2:127,259,375, A>G on the plus strand (T>C on the coding strand, the complement: ERCC3 is on the minus strand). VCF-style: chr2-127259375-A-G. GRCh37 (hg19) VCF-style: chr2-128016951-A-G.
Other names: c.1946T>C, p.Leu649Ser (NM_001303416.2, NM_001303418.2); short protein forms L713S, L649S.
Identifiers: ClinVar variation 3666530 (VCV003666530.2).
Genomic context (GRCh38, chr2:127,259,375, plus strand): 5'-AATTCCCCAGCCACCACCTCCTCCTCGGCATCCAGGTCAGTGGCTGCCAGGACTTTCTGT[A>G]AGAGCTGCTGTTGCTCTTCTTTTGTCGAAAACGCCAAGTCTTCCTCCTCCATGCCAGCGA-3'
Protein context (NP_000113.1, residues 703-723): FSTKEEQQQL[Leu713Ser]QKVLAATDLD

ClinVar aggregate classification (germline): Uncertain significance (1 of 4 stars; one submission).

Submission:

Labcorp Genetics (formerly Invitae), Labcorp
Classification: Uncertain significance. Last evaluated: 2024-10-20. Review status: criteria provided, single submitter. Criteria: Invitae Variant Classification Sherloc (09022015). Collection method: clinical testing. Allele origin: germline.
Comment: This sequence change replaces leucine, which is neutral and non-polar, with serine, which is neutral and polar, at codon 713 of the ERCC3 protein (p.Leu713Ser). This variant is not present in population databases (gnomAD no frequency). This variant has not been reported in the literature in individuals affected with ERCC3-related conditions. Invitae Evidence Modeling of protein sequence and biophysical properties (such as structural, functional, and spatial information, amino acid conservation, physicochemical variation, residue mobility, and thermodynamic stability) indicates that this missense variant is expected to disrupt ERCC3 protein function with a positive predictive value of 80%. In summary, the available evidence is currently insufficient to determine the role of this variant in disease. Therefore, it has been classified as a Variant of Uncertain Significance.